The following is an entry in ClinVar:

NM_006270.5(RRAS):c.516G>A (p.Ser172=)

Gene: RRAS (RAS related; minus strand). Cytogenetic location: 19q13.33.
Variant type: single nucleotide variant.
Coding change: c.516G>A on transcript NM_006270.5 (MANE Select); coding-DNA position 516, G replaced by A.
Protein change: p.Ser172=; no amino-acid change (serine 172 retained).
Molecular consequence: synonymous variant.
Genome position (GRCh38, 1-based): chr19:49,635,790, C>T on the plus strand (G>A on the coding strand, the complement: RRAS is on the minus strand). VCF-style: chr19-49635790-C-T. GRCh37 (hg19) VCF-style: chr19-50139047-C-T.
Other names: c.516G>A (NM_006270.3, NM_006270.4).
Identifiers: ClinVar variation 1554536 (VCV001554536.11), dbSNP rs199924228, ClinGen allele CA508130215.

ClinVar aggregate classification (germline): Likely benign. Review status: criteria provided, multiple submitters, no conflicts (2 of 4 stars). 3 submissions from 3 submitters: Likely benign (2). 1 of the submissions does not count toward it. Last evaluated 2023-10-19.

Conditions:
RRAS-related disorder. Also called: RRAS-related condition.
Noonan syndrome (NS). Also called: Noonan's syndrome. Identifiers: Orphanet 648, MedGen C0028326, MeSH D009634, MONDO:0018997. Disease mechanism: gain of function.

Submissions (3):

Ambry Genetics
Classification: Likely benign. Last evaluated: 2023-10-19. Review status: criteria provided, single submitter. Criteria: Ambry Variant Classification Scheme 2023. Collection method: clinical testing. Allele origin: germline.

Labcorp Genetics (formerly Invitae), Labcorp
Classification: Likely benign for Noonan syndrome. Last evaluated: 2022-03-13. Review status: criteria provided, single submitter. Criteria: Invitae Variant Classification Sherloc (09022015). Collection method: clinical testing. Allele origin: germline.

PreventionGenetics, part of Exact Sciences
Classification: Likely benign for RRAS-related condition. Last evaluated: 2019-10-14. Review status: no assertion criteria provided. Collection method: clinical testing. Allele origin: germline. Not counted in ClinVar's aggregate classification.
Comment: This variant is classified as likely benign based on ACMG/AMP sequence variant interpretation guidelines (Richards et al. 2015 PMID: 25741868, with internal and published modifications).